The following is an entry in ClinVar:

ClinVar aggregate classification (germline): Pathogenic. Review status: criteria provided, multiple submitters, no conflicts (2 of 4 stars). 2 submissions from 2 submitters: Pathogenic (2). Last evaluated 2025-08-14.

Conditions:
Hereditary cancer-predisposing syndrome. Also called: Neoplastic Syndromes, Hereditary; Tumor predisposition; Hereditary neoplastic syndrome; Hereditary Cancer Syndrome. Identifiers: Orphanet 140162, MedGen C0027672, MeSH D009386, MONDO:0015356.
Familial cancer of breast. Also called: BREAST CANCER, FAMILIAL; Hereditary breast cancer; hereditary breast carcinoma. Identifiers: Orphanet 227535, MedGen C0346153, MONDO:0016419, OMIM 114480. Disease mechanism: loss of function.

Submissions (2):

Myriad Genetics, Inc.
Classification: Pathogenic for Familial cancer of breast. Last evaluated: 2025-08-14. Review status: criteria provided, single submitter. Criteria: Myriad Autosomal Dominant, Autosomal Recessive and X-Linked Classification Criteria (2023). Collection method: clinical testing. Allele origin: unknown.
Comment: This variant is considered pathogenic. This variant creates a frameshift predicted to result in premature protein truncation.

Ambry Genetics
Classification: Pathogenic for Hereditary cancer-predisposing syndrome. Last evaluated: 2023-11-02. Review status: criteria provided, single submitter. Criteria: Ambry Variant Classification Scheme 2023. Collection method: clinical testing. Allele origin: germline.
Comment: The c.1161_1162delTC pathogenic mutation, located in coding exon 4 of the PALB2 gene, results from a deletion of two nucleotides at nucleotide positions 1161 to 1162, causing a translational frameshift with a predicted alternate stop codon (p.P388Sfs*12). This alteration is expected to result in loss of function by premature protein truncation or nonsense-mediated mRNA decay. As such, this alteration is interpreted as a disease-causing mutation.

NM_024675.4(PALB2):c.1161_1162del (p.Pro388fs)

Gene: PALB2 (partner and localizer of BRCA2; minus strand). Cytogenetic location: 16p12.2.
Variant type: Microsatellite.
Coding change: c.1161_1162del on transcript NM_024675.4 (MANE Select); coding-DNA positions 1161 to 1162, 2 bases deleted (TC; older notation c.1161_1162delTC).
Protein change: p.Pro388fs; shifts the reading frame from proline 388.
Molecular consequence: frameshift variant. On other transcripts: intron variant (3).
Genome position (GRCh38, 1-based): chr16:23,635,384-23,635,385, GA deleted on the plus strand (TC on the coding strand, the reverse complement: PALB2 is on the minus strand); deleting any 2 consecutive bases within chr16:23,635,384-23,635,388 gives the same sequence; the c. name uses the placement nearest the transcript's 3' end. VCF-style (leftmost placement, unchanged base first): chr16-23635383-GGA-G. GRCh37 (hg19) VCF-style: chr16-23646704-GGA-G.
Other names: c.1101_1102del, p.Pro368fs (NM_001407296.1); c.1161_1162del, p.Pro388fs (NM_001407297.1, NM_001407298.1, NM_001407299.1 and 3 more transcripts); c.276_277del, p.Pro93fs (NM_001407304.1, NM_001407305.1, NM_001407306.1 and 5 more transcripts); c.1158_1159CT[1], p.Pro388Serfs (NM_024675.3); c.48+5725_48+5726del (NM_001407314.1); c.-104-4916_-104-4915del (NM_001407313.1, NM_001407312.1); c.1161_1162delTC (NM_024675.3); short protein forms P368fs, P388fs, P93fs.
Identifiers: ClinVar variation 3227983 (VCV003227983.2), dbSNP rs2506486770, ClinGen allele CA2825002428.